The following is an entry in ClinVar:

ClinVar aggregate classification (germline): Conflicting classifications of pathogenicity. Review status: criteria provided, conflicting classifications (1 of 4 stars). 3 submissions from 3 submitters: Uncertain significance (2); Likely benign (1). Last evaluated 2023-11-22.

Conditions:
CHARGE syndrome (CHARGE). Also called: Coloboma, heart anomaly, choanal atresia, retardation, genital and ear anomalies; CHARGE association; Hall-Hittner syndrome; Hittner Hirsch Kreh syndrome; CHARGE ASSOCIATION--COLOBOMA, HEART ANOMALY, CHOANAL ATRESIA, RETARDATION, GENITAL AND EAR ANOMALIES. Identifiers: Orphanet 138, MedGen C0265354, MONDO:0008965.
Inborn genetic diseases. Identifiers: MedGen C0950123, MeSH D030342.
Hypogonadotropic hypogonadism 5 with or without anosmia (KAL5). Also called: HYPOGONADOTROPIC HYPOGONADISM 5 WITH ANOSMIA; HYPOGONADOTROPHIC HYPOGONADISM 5 WITHOUT ANOSMIA; CHD7-Related GnRH Deficiency (Kallmann Syndrome 5). Identifiers: Orphanet 478, MedGen C3552553, MONDO:0012880, OMIM 612370. Disease mechanism: loss of function.

Allele frequency attached by ClinVar (database versions not stated): gnomAD exomes 0.00001.
gnomAD v4.1: 9 of 1,573,692 alleles (0.00057%); highest among the groups gnomAD compares: South Asian, 0.0012%; no homozygotes.

Submissions (3):

Ambry Genetics
Classification: Uncertain significance for Inborn genetic diseases. Last evaluated: 2023-11-22. Review status: criteria provided, single submitter. Criteria: Ambry Variant Classification Scheme 2023. Collection method: clinical testing. Allele origin: germline.
Comment: The p.K666R variant (also known as c.1997A>G), located in coding exon 2 of the CHD7 gene, results from an A to G substitution at nucleotide position 1997. The lysine at codon 666 is replaced by arginine, an amino acid with highly similar properties. This amino acid position is conserved. In addition, the in silico prediction for this alteration is inconclusive. Since supporting evidence is limited at this time, the clinical significance of this alteration remains unclear.

Labcorp Genetics (formerly Invitae), Labcorp
Classification: Likely benign for CHARGE syndrome. Last evaluated: 2022-12-02. Review status: criteria provided, single submitter. Criteria: Invitae Variant Classification Sherloc (09022015). Collection method: clinical testing. Allele origin: germline.

Fulgent Genetics
Classification: Uncertain significance for CHD7-related CHARGE syndrome; Hypogonadotropic hypogonadism 5 with or without anosmia. Last evaluated: 2021-10-23. Review status: criteria provided, single submitter. Criteria: ACMG Guidelines, 2015. Collection method: clinical testing. Allele origin: unknown.

NM_017780.4(CHD7):c.1997A>G (p.Lys666Arg)

Genes: CHD7 (chromodomain helicase DNA binding protein 7; plus strand), LOC126860403 (CDK7 strongly-dependent group 2 enhancer GRCh37_chr8:61693034-61694233; plus strand). Cytogenetic location: 8q12.2.
Variant type: single nucleotide variant.
Coding change: c.1997A>G on transcript NM_017780.4 (MANE Select); coding-DNA position 1997, A replaced by G.
Protein change: p.Lys666Arg; replaces lysine 666 with arginine.
Molecular consequence: missense variant. On other transcripts: intron variant (1).
Genome position (GRCh38, 1-based): chr8:60,781,331, A>G. VCF-style: chr8-60781331-A-G. GRCh37 (hg19) VCF-style: chr8-61693890-A-G.
Other names: c.1997A>G (NM_017780.3); c.1716+281A>G (NM_001316690.1); short protein forms K666R.
Identifiers: ClinVar variation 1434199 (VCV001434199.10), dbSNP rs1373820202, ClinGen allele CA371313337.
Genomic context (GRCh38, chr8:60,781,331, plus strand): 5'-GGTCAAAGGCAAAAAAAGACCCGAAGGAACCGAAAGAACCCAAGGAGAAAAAAGAGCCCA[A>G]GGAACCCAAGACCCCGAAAGCCCCTAAGATTCCCAAAGAGCCAAAGGAAAAGAAAGCAAA-3'
Protein context (NP_060250.2, residues 656-676): PKEPKEKKEP[Lys666Arg]EPKTPKAPKI